The following is an entry in ClinVar:

NM_022489.4(INF2):c.2994_2996del (p.Gly999del)

Gene: INF2 (inverted formin 2; plus strand). Cytogenetic location: 14q32.33.
Variant type: Deletion.
Coding change: c.2994_2996del on transcript NM_022489.4 (MANE Select); coding-DNA positions 2994 to 2996, 3 bases deleted (GGG; older notation c.2994_2996delGGG).
Protein change: p.Gly999del; deletes glycine 999.
Molecular consequence: inframe deletion. On other transcripts: inframe indel (4).
Genome position (GRCh38, 1-based): chr14:104,713,560-104,713,562, GGG deleted; deleting any 3 consecutive bases within chr14:104,713,558-104,713,562 gives the same sequence; the c. name uses the placement nearest the transcript's 3' end. VCF-style (leftmost placement, unchanged base first): chr14-104713557-CGGG-C. GRCh37 (hg19) VCF-style: chr14-105179894-CGGG-C.
Other names: c.2994_2996del, p.Gly999del (NM_001031714.4); c.2994_2996delGGG, p.Gly999del (NM_001426862.1, NM_001426863.1, NM_001426864.1 and 1 more transcripts); short protein forms G999del.
Identifiers: ClinVar variation 2931968 (VCV002931968.3), dbSNP rs1566785725, ClinGen allele CA616584965.
Genomic context (GRCh38, chr14:104,713,557, plus strand): 5'-GGCTGACATCAGGAAGGGCTTCCAGCTGCGGAAGACAGCCCGGGGCCGCGGGGACACCGA[CGGG>C]GGCAGCAAGGCAGCCTCCATGGATCCCCCAAGAGCCACAGAGCCTGGTAAGACCCTCTCC-3'

ClinVar aggregate classification (germline): Uncertain significance (1 of 4 stars; one submission).

Conditions:
Focal segmental glomerulosclerosis 5 (FSGS5). Identifiers: Orphanet 656, MedGen C2750475, MONDO:0013191, OMIM 613237.
Charcot-Marie-Tooth disease dominant intermediate E. Also called: CHARCOT-MARIE-TOOTH NEUROPATHY WITH FOCAL SEGMENTAL GLOMERULONEPHRITIS. Identifiers: Orphanet 93114, MedGen C4302667, MONDO:0013758, OMIM 614455.

Submission:

Labcorp Genetics (formerly Invitae), Labcorp
Classification: Uncertain significance for Charcot-Marie-Tooth disease dominant intermediate E; Focal segmental glomerulosclerosis 5. Last evaluated: 2025-04-14. Review status: criteria provided, single submitter. Criteria: Invitae Variant Classification Sherloc (09022015). Collection method: clinical testing. Allele origin: germline.
Comment: This variant, c.2994_2996del, results in the deletion of 1 amino acid(s) of the INF2 protein (p.Gly999del), but otherwise preserves the integrity of the reading frame. This variant is present in population databases (no rsID available, gnomAD 0.0009%). This variant has not been reported in the literature in individuals affected with INF2-related conditions. ClinVar contains an entry for this variant (Variation ID: 2931968). Experimental studies and prediction algorithms are not available or were not evaluated, and the functional significance of this variant is currently unknown. In summary, the available evidence is currently insufficient to determine the role of this variant in disease. Therefore, it has been classified as a Variant of Uncertain Significance.